The following is an entry in ClinVar:

NM_172107.4(KCNQ2):c.1154del (p.Ile385fs)

Gene: KCNQ2 (potassium voltage-gated channel subfamily Q member 2; minus strand). Cytogenetic location: 20q13.33.
Variant type: Deletion.
Coding change: c.1154del on transcript NM_172107.4 (MANE Select); coding-DNA position 1154, one base deleted (T; older notation c.1154delT).
Protein change: p.Ile385fs; shifts the reading frame from isoleucine 385.
Molecular consequence: frameshift variant.
Genome position (GRCh38, 1-based): chr20:63,428,430, A deleted on the plus strand (T on the coding strand, the reverse complement: KCNQ2 is on the minus strand). VCF-style (leftmost placement, unchanged base first): chr20-63428429-GA-G. GRCh37 (hg19) VCF-style: chr20-62059782-GA-G.
Other names: c.1154del, p.Ile385fs (NM_001382235.1, NM_172106.3, NM_172108.5); c.1124del, p.Ile375fs (NM_004518.6); short protein forms I385fs, I375fs.
Identifiers: ClinVar variation 1456321 (VCV001456321.7), dbSNP rs2145637609, ClinGen allele CA658683078.

ClinVar aggregate classification (germline): Pathogenic (1 of 4 stars; one submission).

Conditions:
Early-infantile DEE. Also called: Early infantile epileptic encephalopathy; Ohtahara syndrome; Early infantile epileptic encephalopathy with suppression bursts. Identifiers: Orphanet 1934, MedGen C0393706, MONDO:0800491.

Submission:

Labcorp Genetics (formerly Invitae), Labcorp
Classification: Pathogenic for Early-infantile DEE. Last evaluated: 2024-06-13. Review status: criteria provided, single submitter. Criteria: Invitae Variant Classification Sherloc (09022015). Collection method: clinical testing. Allele origin: germline.
Comment: This sequence change creates a premature translational stop signal (p.Ile385Thrfs*4) in the KCNQ2 gene. It is expected to result in an absent or disrupted protein product. Loss-of-function variants in KCNQ2 are known to be pathogenic (PMID: 14534157, 23692823, 27779742). This variant is not present in population databases (gnomAD no frequency). This premature translational stop signal has been observed in individual(s) with KCNQ2-related conditions (PMID: 31164858). ClinVar contains an entry for this variant (Variation ID: 1456321). For these reasons, this variant has been classified as Pathogenic.

Literature cited by the submitters: PubMed 14534157; PubMed 23692823; PubMed 27779742; PubMed 31164858.